The following is an entry in ClinVar:

ClinVar aggregate classification (germline): Uncertain significance (1 of 4 stars; one submission).

Conditions:
Macrothrombocytopenia and granulocyte inclusions with or without nephritis or sensorineural hearing loss (MATINS). Also called: MAY-HEGGLIN ANOMALY; DOHLE LEUKOCYTE INCLUSIONS WITH GIANT PLATELETS; MACROTHROMBOCYTOPENIA WITH LEUKOCYTE INCLUSIONS; BLEEDING DISORDER, PLATELET-TYPE, 6; SEBASTIAN PLATELET SYNDROME; MACROTHROMBOCYTOPENIA WITH DISPERSED LEUKOCYTIC INCLUSIONS. Identifiers: Orphanet 182050, MedGen C5200934, MONDO:0015912, OMIM 155100.

Submission:

Clinical Genomics Laboratory, Washington University in St. Louis
Classification: Uncertain significance for Macrothrombocytopenia and granulocyte inclusions with or without nephritis or sensorineural hearing loss. Last evaluated: 2025-12-20. Review status: criteria provided, single submitter. Criteria: ACMG Guidelines, 2015. Collection method: clinical testing. Allele origin: germline.
Comment: An MYH9 c.4990A>T (p.Ile1664Phe) variant was identified in a heterozygous state. This variant, to our knowledge, has not been reported in the medical literature or the ClinVar database. It is only observed on 1/250,374 alleles in the general population (gnomAD v2.1.1), indicating it is not a common variant. Computational predictors indicate that the variant is damaging, evidence that correlates with the impact on MYH9 function. Due to limited information, and based on ACMG/AMP guidelines for variant interpretation (Richards S et al., PMID: 25741868), the clinical significance of this variant is uncertain at this time.

NM_002473.6(MYH9):c.4990A>T (p.Ile1664Phe)

Gene: MYH9 (myosin heavy chain 9; minus strand). Cytogenetic location: 22q12.3.
Variant type: single nucleotide variant.
Coding change: c.4990A>T on transcript NM_002473.6 (MANE Select); coding-DNA position 4990, A replaced by T.
Protein change: p.Ile1664Phe; replaces isoleucine 1664 with phenylalanine.
Molecular consequence: missense variant.
Genome position (GRCh38, 1-based): chr22:36,286,789, T>A on the plus strand (A>T on the coding strand, the complement: MYH9 is on the minus strand). VCF-style: chr22-36286789-T-A. GRCh37 (hg19) VCF-style: chr22-36682835-T-A.
Other names: short protein forms I1664F.
Identifiers: ClinVar variation 4974600 (VCV004974600.1).